The following is an entry in ClinVar:

ClinVar aggregate classification (germline): Uncertain significance (1 of 4 stars; one submission).

Allele frequency attached by ClinVar (database versions not stated): gnomAD exomes 0.00001; TOPMed 0.00002; gnomAD 0.00004; ESP Exome Variant Server 0.00008; ExAC 0.00010.
gnomAD v4.1: 22 of 1,569,458 alleles (0.0014%); highest among the groups gnomAD compares: African/African-American, 0.012%; no homozygotes.

Submission:

Labcorp Genetics (formerly Invitae), Labcorp
Classification: Uncertain significance. Last evaluated: 2022-10-24. Review status: criteria provided, single submitter. Criteria: Invitae Variant Classification Sherloc (09022015). Collection method: clinical testing. Allele origin: germline.
Comment: This sequence change replaces glutamic acid, which is acidic and polar, with lysine, which is basic and polar, at codon 72 of the CYP4V2 protein (p.Glu72Lys). This variant also falls at the last nucleotide of exon 1, which is part of the consensus splice site for this exon. The frequency data for this variant in the population databases is considered unreliable, as metrics indicate poor data quality at this position in the gnomAD database. This variant has not been reported in the literature in individuals affected with CYP4V2-related conditions. ClinVar contains an entry for this variant (Variation ID: 935191). Algorithms developed to predict the effect of missense changes on protein structure and function (SIFT, PolyPhen-2, Align-GVGD) all suggest that this variant is likely to be tolerated. Variants that disrupt the consensus splice site are a relatively common cause of aberrant splicing (PMID: 17576681, 9536098). Algorithms developed to predict the effect of sequence changes on RNA splicing suggest that this variant may disrupt the consensus splice site. In summary, the available evidence is currently insufficient to determine the role of this variant in disease. Therefore, it has been classified as a Variant of Uncertain Significance.

Literature cited by the submitters: PubMed 17576681; PubMed 9536098.

NM_207352.4(CYP4V2):c.214G>A (p.Glu72Lys)

Gene: CYP4V2 (cytochrome P450 family 4 subfamily V member 2; plus strand). Cytogenetic location: 4q35.1.
Variant type: single nucleotide variant.
Coding change: c.214G>A on transcript NM_207352.4 (MANE Select); coding-DNA position 214, G replaced by A.
Protein change: p.Glu72Lys; replaces glutamic acid 72 with lysine.
Molecular consequence: missense variant.
Genome position (GRCh38, 1-based): chr4:186,192,037, G>A. VCF-style: chr4-186192037-G-A. GRCh37 (hg19) VCF-style: chr4-187113191-G-A.
Other names: short protein forms E72K.
Identifiers: ClinVar variation 935191 (VCV000935191.8), dbSNP rs377425030, ClinGen allele CA3162439.